The following is an entry in ClinVar:

NM_001113378.2(FANCI):c.1704T>C (p.His568=)

Gene: FANCI (FA complementation group I; plus strand). Cytogenetic location: 15q26.1.
Variant type: single nucleotide variant.
Coding change: c.1704T>C on transcript NM_001113378.2 (MANE Select); coding-DNA position 1704, T replaced by C.
Protein change: p.His568=; no amino-acid change (histidine 568 retained).
Molecular consequence: synonymous variant.
Genome position (GRCh38, 1-based): chr15:89,285,101, T>C. VCF-style: chr15-89285101-T-C. GRCh37 (hg19) VCF-style: chr15-89828332-T-C.
Other names: c.1425T>C, p.His475= (NM_001376910.1); c.1704T>C, p.His568= (NM_001376911.1, NM_018193.3).
Identifiers: ClinVar variation 414870 (VCV000414870.14), dbSNP rs200990786, ClinGen allele CA7723132.

ClinVar aggregate classification (germline): Likely benign. Review status: criteria provided, multiple submitters, no conflicts (2 of 4 stars). 3 submissions from 3 submitters: Likely benign (2). 1 of the submissions does not count toward it. Last evaluated 2025-10-06.

Conditions:
FANCI-related disorder. Also called: FANCI-related condition.
Fanconi anemia (FA). Also called: Fanconi's anemia. Identifiers: Orphanet 84, MedGen C0015625, MeSH D005199, MONDO:0019391.

Allele frequency attached by ClinVar (database versions not stated): gnomAD 0.00004 and 0.00005; gnomAD exomes 0.00006 and 0.00013; ExAC 0.00007; TOPMed 0.00007; ESP Exome Variant Server 0.00015.
gnomAD v4.1: 190 of 1,614,000 alleles (0.012%); highest among the groups gnomAD compares: Non-Finnish European, 0.015%; no homozygotes.

Submissions (3):

Labcorp Genetics (formerly Invitae), Labcorp
Classification: Likely benign for Fanconi anemia. Last evaluated: 2025-10-06. Review status: criteria provided, single submitter. Criteria: Invitae Variant Classification Sherloc (09022015). Collection method: clinical testing. Allele origin: germline.

Blueprint Genetics
Classification: Likely benign. Last evaluated: 2024-07-11. Review status: criteria provided, single submitter. Criteria: ACMG Guidelines, 2015. Collection method: clinical testing. Allele origin: germline.

PreventionGenetics, part of Exact Sciences
Classification: Likely benign for FANCI-related condition. Last evaluated: 2019-12-09. Review status: no assertion criteria provided. Collection method: clinical testing. Allele origin: germline. Not counted in ClinVar's aggregate classification.
Comment: This variant is classified as likely benign based on ACMG/AMP sequence variant interpretation guidelines (Richards et al. 2015 PMID: 25741868, with internal and published modifications).